The following is an entry in ClinVar:

NM_001171.6(ABCC6):c.3816A>C (p.Leu1272=)

Gene: ABCC6 (ATP binding cassette subfamily C member 6; minus strand). Cytogenetic location: 16p13.11.
Variant type: single nucleotide variant.
Coding change: c.3816A>C on transcript NM_001171.6 (MANE Select); coding-DNA position 3816, A replaced by C.
Protein change: p.Leu1272=; no amino-acid change (leucine 1272 retained).
Molecular consequence: synonymous variant. On other transcripts: non-coding transcript variant (1).
Genome position (GRCh38, 1-based): chr16:16,157,729, T>G on the plus strand (A>C on the coding strand, the complement: ABCC6 is on the minus strand). VCF-style: chr16-16157729-T-G. GRCh37 (hg19) VCF-style: chr16-16251586-T-G.
Other names: c.3474A>C, p.Leu1158= (NM_001351800.1).
Identifiers: ClinVar variation 3044879 (VCV003044879.3), dbSNP rs2046595305, ClinGen allele CA493797864.
Genomic context (GRCh38, chr16:16,157,729, plus strand): 5'-TCCTGCGTGGATCTTGAAGGACACGCCCTGCACAGCCAGCGGGAGCTCAGGTCGGTATCT[T>G]AGCCCAAAGTCCCGGAACTCGATCTGCCCGCCCTGAGGCCAGGGGGGCTGAGCTGCACAT-3'
Protein context (NP_001162.5, residues 1262-1282): GGQIEFRDFG[Leu1272=]RYRPELPLAV

ClinVar aggregate classification (germline): Likely benign. Review status: criteria provided, single submitter (1 of 4 stars). 2 submissions from 2 submitters: Likely benign (1). 1 of the submissions does not count toward it. Last evaluated 2022-06-29.

Conditions:
ABCC6-related disorder. Also called: ABCC6-related condition.

Submissions (2):

Blueprint Genetics
Classification: Likely benign. Last evaluated: 2022-06-29. Review status: criteria provided, single submitter. Criteria: ACMG Guidelines, 2015. Collection method: clinical testing. Allele origin: germline.

PreventionGenetics, part of Exact Sciences
Classification: Likely benign for ABCC6-related condition. Last evaluated: 2020-07-31. Review status: no assertion criteria provided. Collection method: clinical testing. Allele origin: germline. Not counted in ClinVar's aggregate classification.
Comment: This variant is classified as likely benign based on ACMG/AMP sequence variant interpretation guidelines (Richards et al. 2015 PMID: 25741868, with internal and published modifications).